The following is an entry in ClinVar:

ClinVar aggregate classification (germline): Conflicting classifications of pathogenicity. Review status: criteria provided, conflicting classifications (1 of 4 stars). 4 submissions from 4 submitters: Uncertain significance (3); Benign (1). Last evaluated 2026-06-30.

Conditions:
NPHP4-related disorder. Also called: NPHP4-related disorders; NPHP4-related condition. Identifiers: MedGen CN239384.
Nephronophthisis. Also called: Juvenile Nephronophthisis. Identifiers: Orphanet 655, MedGen C0687120, MONDO:0019005, HP:0000090.
Senior-Loken syndrome 4 (SLSN4). Identifiers: Orphanet 3156, MedGen C1846979, MONDO:0011756, OMIM 606996.
Nephronophthisis 4 (NPHP4). Also called: NEPHRONOPHTHISIS 4, JUVENILE. Identifiers: Orphanet 655, MedGen C1847013, MONDO:0011752, OMIM 606966.

Allele frequency attached by ClinVar (database versions not stated): gnomAD below 0.00001 and 0.00001; TOPMed 0.00001; gnomAD exomes 0.00008 and 0.00015; ExAC 0.00031.

Submissions (4):

PreventionGenetics, part of Exact Sciences
Classification: Uncertain significance for NPHP4-related condition. Last evaluated: 2026-06-30. Review status: criteria provided, single submitter. Criteria: ACMG Guidelines, 2015. Collection method: clinical testing. Allele origin: germline.
Comment: The NPHP4 c.1534C>T variant is predicted to result in the amino acid substitution p.Arg512Trp. To our knowledge, this variant has not been reported in the literature in association with established NPHP4-related disease. This variant is reported in 0.10% of alleles in individuals of South Asian descent in gnomAD, which may be too frequent to be a primary cause of disease. At this time, the clinical significance of this variant is uncertain due to the absence of conclusive functional and genetic evidence.

Fulgent Genetics
Classification: Uncertain significance for Nephronophthisis 4; Senior-Loken syndrome 4. Last evaluated: 2024-05-17. Review status: criteria provided, single submitter. Criteria: ACMG Guidelines, 2015. Collection method: clinical testing. Allele origin: germline.

Labcorp Genetics (formerly Invitae), Labcorp
Classification: Uncertain significance for Nephronophthisis. Last evaluated: 2023-12-11. Review status: criteria provided, single submitter. Criteria: Invitae Variant Classification Sherloc (09022015). Collection method: clinical testing. Allele origin: germline.
Comment: This sequence change replaces arginine, which is basic and polar, with tryptophan, which is neutral and slightly polar, at codon 512 of the NPHP4 protein (p.Arg512Trp). This variant is present in population databases (rs769747675, gnomAD 0.1%). This variant has not been reported in the literature in individuals affected with NPHP4-related conditions. ClinVar contains an entry for this variant (Variation ID: 969083). Advanced modeling of protein sequence and biophysical properties (such as structural, functional, and spatial information, amino acid conservation, physicochemical variation, residue mobility, and thermodynamic stability) performed at Invitae indicates that this missense variant is expected to disrupt NPHP4 protein function with a positive predictive value of 80%. In summary, the available evidence is currently insufficient to determine the role of this variant in disease. Therefore, it has been classified as a Variant of Uncertain Significance.

Blueprint Genetics
Classification: Benign. Last evaluated: 2023-10-26. Review status: criteria provided, single submitter. Criteria: ACMG Guidelines, 2015. Collection method: clinical testing. Allele origin: germline.

NM_015102.5(NPHP4):c.1534C>T (p.Arg512Trp)

Gene: NPHP4 (nephrocystin 4; minus strand). Cytogenetic location: 1p36.31.
Variant type: single nucleotide variant.
Coding change: c.1534C>T on transcript NM_015102.5 (MANE Select); coding-DNA position 1534, C replaced by T.
Protein change: p.Arg512Trp; replaces arginine 512 with tryptophan.
Molecular consequence: missense variant. On other transcripts: non-coding transcript variant (1), intron variant (2).
Genome position (GRCh38, 1-based): chr1:5,907,192, G>A on the plus strand (C>T on the coding strand, the complement: NPHP4 is on the minus strand). VCF-style: chr1-5907192-G-A. GRCh37 (hg19) VCF-style: chr1-5967252-G-A.
Other names: c.76-1409C>T (NM_001291594.2); c.76-1412C>T (NM_001291593.2); short protein forms R512W.
Identifiers: ClinVar variation 969083 (VCV000969083.10), dbSNP rs769747675, ClinGen allele CA554453.